The following is an entry in ClinVar:

ClinVar aggregate classification (germline): Uncertain significance (0 of 4 stars; one submission).

Conditions:
PLXNA1-related disorder. Also called: PLXNA1-related condition.

gnomAD v4.1: 17 of 1,612,962 alleles (0.0011%); highest among the groups gnomAD compares: African/African-American, 0.004%; no homozygotes.

Submission:

PreventionGenetics, part of Exact Sciences
Classification: Uncertain significance for PLXNA1-related condition. Last evaluated: 2024-04-05. Review status: no assertion criteria provided. Collection method: clinical testing. Allele origin: germline.
Comment: The PLXNA1 c.1045G>A variant is predicted to result in the amino acid substitution p.Val349Met. To our knowledge, this variant has not been reported in the literature. This variant is reported in 0.0097% of alleles in individuals of Ashkenazi Jewish descent in gnomAD. At this time, the clinical significance of this variant is uncertain due to the absence of conclusive functional and genetic evidence.

NM_032242.4(PLXNA1):c.1045G>A (p.Val349Met)

Gene: PLXNA1 (plexin A1; plus strand). Cytogenetic location: 3q21.3.
Variant type: single nucleotide variant.
Coding change: c.1045G>A on transcript NM_032242.4 (MANE Select); coding-DNA position 1045, G replaced by A.
Protein change: p.Val349Met; replaces valine 349 with methionine.
Molecular consequence: missense variant.
Genome position (GRCh38, 1-based): chr3:126,989,638, G>A. VCF-style: chr3-126989638-G-A. GRCh37 (hg19) VCF-style: chr3-126708481-G-A.
Other names: short protein forms V349M.
Identifiers: ClinVar variation 2629547 (VCV002629547.2), dbSNP rs41266465, ClinGen allele CA354373335.
Genomic context (GRCh38, chr3:126,989,638, plus strand): 5'-GGCCTGGCTGAGGACGAGGACGTGCTGTTCACTGTGTTCGCCCAGGGCCAGAAGAACCGC[G>A]TGAAGCCACCAAAGGAGTCAGCACTGTGCCTGTTCACGCTCAGGGCCATCAAGGAGAAGA-3'
Protein context (NP_115618.3, residues 339-359): TVFAQGQKNR[Val349Met]KPPKESALCL